The following is an entry in ClinVar:

NM_004341.5(CAD):c.4760T>C (p.Ile1587Thr)

Gene: CAD (carbamoyl-phosphate synthetase 2, aspartate transcarbamylase, and dihydroorotase; plus strand). Cytogenetic location: 2p23.3.
Variant type: single nucleotide variant.
Coding change: c.4760T>C on transcript NM_004341.5 (MANE Select); coding-DNA position 4760, T replaced by C.
Protein change: p.Ile1587Thr; replaces isoleucine 1587 with threonine.
Molecular consequence: missense variant.
Genome position (GRCh38, 1-based): chr2:27,238,087, T>C. VCF-style: chr2-27238087-T-C. GRCh37 (hg19) VCF-style: chr2-27460955-T-C.
Other names: c.4571T>C, p.Ile1524Thr (NM_001306079.2); short protein forms I1524T, I1587T.
Identifiers: ClinVar variation 960598 (VCV000960598.8), dbSNP rs370372528, ClinGen allele CA1573651.

ClinVar aggregate classification (germline): Uncertain significance. Review status: criteria provided, multiple submitters, no conflicts (2 of 4 stars). 3 submissions from 3 submitters: Uncertain significance (3). Last evaluated 2023-02-01.

Conditions:
Developmental and epileptic encephalopathy, 50 (DEE50). Also called: Epileptic encephalopathy, early infantile, 50. Identifiers: Orphanet 448010, MedGen C4225320, MONDO:0014647, OMIM 616457.

Allele frequency attached by ClinVar (database versions not stated): gnomAD exomes below 0.00001 and 0.00001; ExAC 0.00001; gnomAD 0.00001; TOPMed 0.00001; ESP Exome Variant Server 0.00008; 1000 Genomes Project 30x 0.00016; 1000 Genomes Project 0.00020.
gnomAD v4.1: 8 of 1,614,180 alleles (0.0005%); highest among the groups gnomAD compares: East Asian, 0.0089%; no homozygotes.

Submissions (3):

Revvity Omics, Revvity
Classification: Uncertain significance for Developmental and epileptic encephalopathy, 50. Last evaluated: 2023-02-01. Review status: criteria provided, single submitter. Criteria: ACMG Guidelines, 2015. Collection method: clinical testing. Allele origin: germline.

Labcorp Genetics (formerly Invitae), Labcorp
Classification: Uncertain significance. Last evaluated: 2022-09-19. Review status: criteria provided, single submitter. Criteria: Invitae Variant Classification Sherloc (09022015). Collection method: clinical testing. Allele origin: germline.
Comment: This sequence change replaces isoleucine, which is neutral and non-polar, with threonine, which is neutral and polar, at codon 1587 of the CAD protein (p.Ile1587Thr). This variant is present in population databases (rs370372528, gnomAD 0.01%). This variant has not been reported in the literature in individuals affected with CAD-related conditions. ClinVar contains an entry for this variant (Variation ID: 960598). Algorithms developed to predict the effect of missense changes on protein structure and function (SIFT, PolyPhen-2, Align-GVGD) all suggest that this variant is likely to be disruptive. In summary, the available evidence is currently insufficient to determine the role of this variant in disease. Therefore, it has been classified as a Variant of Uncertain Significance.

GeneDx
Classification: Uncertain significance. Last evaluated: 2019-10-13. Review status: criteria provided, single submitter. Criteria: GeneDx Variant Classification Process June 2021. Collection method: clinical testing. Allele origin: germline. Affected: yes.
Comment: Has not been previously published as pathogenic or benign to our knowledge; Not observed at a significant frequency in large population cohorts (Lek et al., 2016); In silico analysis, which includes protein predictors and evolutionary conservation, supports a deleterious effect